The following is an entry in ClinVar:

NM_002972.4(SBF1):c.4498G>T (p.Gly1500Trp)

Gene: SBF1 (SET binding factor 1; minus strand). Cytogenetic location: 22q13.33.
Variant type: single nucleotide variant.
Coding change: c.4498G>T on transcript NM_002972.4 (MANE Select); coding-DNA position 4498, G replaced by T.
Protein change: p.Gly1500Trp; replaces glycine 1500 with tryptophan.
Molecular consequence: missense variant.
Genome position (GRCh38, 1-based): chr22:50,455,280, C>A on the plus strand (G>T on the coding strand, the complement: SBF1 is on the minus strand). VCF-style: chr22-50455280-C-A. GRCh37 (hg19) VCF-style: chr22-50893709-C-A.
Other names: c.4423G>T, p.Gly1475Trp (NM_001365819.1); short protein forms G1475W, G1500W.
Identifiers: ClinVar variation 1381143 (VCV001381143.6), dbSNP rs776035145, ClinGen allele CA10316244.
Genomic context (GRCh38, chr22:50,455,280, plus strand): 5'-CCACCTGGTGTACGCAGTCCAGGAACTGCAGGAAGACGGGTGTGAAGCCGCTGCTCTGCC[C>A]GGCCAGGGTGTGAGCTCCACGGTGGCTGAAGCGATGGCCGAAGGACAGCCACTCCTTCTC-3'
Protein context (NP_002963.2, residues 1490-1510): FSHRGAHTLA[Gly1500Trp]QSSGFTPVFL

ClinVar aggregate classification (germline): Uncertain significance (1 of 4 stars; one submission).

Allele frequency attached by ClinVar (database versions not stated): gnomAD 0.00001; TOPMed 0.00001; gnomAD exomes 0.00002; ExAC 0.00004.
gnomAD v4.1: 2 of 1,613,312 alleles (0.00012%); highest among the groups gnomAD compares: Admixed American, 0.0017%; no homozygotes.

Submission:

Labcorp Genetics (formerly Invitae), Labcorp
Classification: Uncertain significance. Last evaluated: 2022-08-16. Review status: criteria provided, single submitter. Criteria: Invitae Variant Classification Sherloc (09022015). Collection method: clinical testing. Allele origin: germline.
Comment: This sequence change replaces glycine, which is neutral and non-polar, with tryptophan, which is neutral and slightly polar, at codon 1500 of the SBF1 protein (p.Gly1500Trp). The frequency data for this variant in the population databases is considered unreliable, as metrics indicate poor data quality at this position in the gnomAD database. This variant has not been reported in the literature in individuals affected with SBF1-related conditions. ClinVar contains an entry for this variant (Variation ID: 1381143). Algorithms developed to predict the effect of missense changes on protein structure and function are either unavailable or do not agree on the potential impact of this missense change (SIFT: "Deleterious"; PolyPhen-2: "Probably Damaging"; Align-GVGD: "Class C0"). In summary, the available evidence is currently insufficient to determine the role of this variant in disease. Therefore, it has been classified as a Variant of Uncertain Significance.